The following is an entry in ClinVar:

NM_024422.6(DSC2):c.186T>A (p.Asn62Lys)

Gene: DSC2 (desmocollin 2; minus strand). Cytogenetic location: 18q12.1.
Variant type: single nucleotide variant.
Coding change: c.186T>A on transcript NM_024422.6 (MANE Select); coding-DNA position 186, T replaced by A.
Protein change: p.Asn62Lys; replaces asparagine 62 with lysine.
Molecular consequence: missense variant.
Genome position (GRCh38, 1-based): chr18:31,092,269, A>T on the plus strand (T>A on the coding strand, the complement: DSC2 is on the minus strand). VCF-style: chr18-31092269-A-T. GRCh37 (hg19) VCF-style: chr18-28672232-A-T.
Other names: c.186T>A, p.Asn62Lys (NM_004949.5); short protein forms N62K.
Identifiers: ClinVar variation 942350 (VCV000942350.7), dbSNP rs748644229, ClinGen allele CA033456.

ClinVar aggregate classification (germline): Uncertain significance. Review status: criteria provided, multiple submitters, no conflicts (2 of 4 stars). 3 submissions from 3 submitters: Uncertain significance (3). Last evaluated 2024-07-22.

Conditions:
Familial isolated arrhythmogenic right ventricular dysplasia. Identifiers: Orphanet 217656, MedGen C4274968, MONDO:0016342.
Arrhythmogenic right ventricular dysplasia 11. Also called: Arrhythmogenic Right Ventricular Dysplasia/Cardiomyopathy11; ARRHYTHMOGENIC RIGHT VENTRICULAR DYSPLASIA, FAMILIAL, 11; Arrhythmogenic right ventricular dysplasia 11 with mild palmoplantar keratoderma and woolly hair. Identifiers: MedGen C1864850, MONDO:0012506, OMIM 610476.

Allele frequency attached by ClinVar (database versions not stated): TOPMed 0.00001; gnomAD exomes 0.00001 and below 0.00001; ExAC 0.00001.
gnomAD v4.1: 14 of 1,613,716 alleles (0.00087%); highest among the groups gnomAD compares: Non-Finnish European, 0.0012%; no homozygotes.

Submissions (3):

Labcorp Genetics (formerly Invitae), Labcorp
Classification: Uncertain significance for Arrhythmogenic right ventricular dysplasia 11. Last evaluated: 2024-07-22. Review status: criteria provided, single submitter. Criteria: Invitae Variant Classification Sherloc (09022015). Collection method: clinical testing. Allele origin: germline.
Comment: This sequence change replaces asparagine, which is neutral and polar, with lysine, which is basic and polar, at codon 62 of the DSC2 protein (p.Asn62Lys). This variant is present in population databases (rs748644229, gnomAD 0.0009%). This variant has not been reported in the literature in individuals affected with DSC2-related conditions. ClinVar contains an entry for this variant (Variation ID: 942350). Advanced modeling of protein sequence and biophysical properties (such as structural, functional, and spatial information, amino acid conservation, physicochemical variation, residue mobility, and thermodynamic stability) performed at Invitae indicates that this missense variant is not expected to disrupt DSC2 protein function with a negative predictive value of 80%. In summary, the available evidence is currently insufficient to determine the role of this variant in disease. Therefore, it has been classified as a Variant of Uncertain Significance.

All of Us Research Program, National Institutes of Health
Classification: Uncertain significance for Familial isolated arrhythmogenic right ventricular dysplasia. Last evaluated: 2023-03-07. Review status: criteria provided, single submitter. Criteria: ACMG Guidelines, 2015. Collection method: clinical testing. Allele origin: germline. Inheritance: Autosomal dominant inheritance. Observed: 1 variant allele, 1 heterozygote.
Comment: This missense variant replaces asparagine with lysine at codon 62 of the DSC2 protein. Computational prediction suggests that this variant may not impact protein structure and function (internally defined REVEL score threshold <= 0.5, PMID: 27666373). To our knowledge, functional studies have not been reported for this variant. This variant has not been reported in individuals affected with DSC2-related disorders in the literature. This variant has been identified in 1/250818 chromosomes in the general population by the Genome Aggregation Database (gnomAD). The available evidence is insufficient to determine the role of this variant in disease conclusively. Therefore, this variant is classified as a Variant of Uncertain Significance.

This study involves interpretation of variants in research participants for the purpose of population health screening. Participant phenotype was not available at the time of variant classification. Additional details can be found in publication PMID: 35346344, PMCID: PMC8962531

Fulgent Genetics
Classification: Uncertain significance for Arrhythmogenic right ventricular dysplasia 11. Last evaluated: 2021-10-01. Review status: criteria provided, single submitter. Criteria: ACMG Guidelines, 2015. Collection method: clinical testing. Allele origin: unknown.